The following is an entry in ClinVar:

ClinVar aggregate classification (germline): Benign/Likely benign. Review status: criteria provided, multiple submitters, no conflicts (2 of 4 stars). 2 submissions from 2 submitters: Benign (1); Likely benign (1). Last evaluated 2026-02-04.

Conditions:
LIPI-related disorder. Also called: LIPI-related condition.

Submissions (2):

Labcorp Genetics (formerly Invitae), Labcorp
Classification: Benign. Last evaluated: 2026-02-04. Review status: criteria provided, single submitter. Criteria: Invitae Variant Classification Sherloc (09022015). Collection method: clinical testing. Allele origin: germline.

PreventionGenetics, part of Exact Sciences
Classification: Likely benign for LIPI-related condition. Last evaluated: 2025-06-06. Review status: criteria provided, single submitter. Criteria: ACMG Guidelines, 2015. Collection method: clinical testing. Allele origin: germline.
Comment: This variant is classified as likely benign based on ACMG/AMP sequence variant interpretation guidelines (Richards et al. 2015 PMID: 25741868, with internal and published modifications).

NM_001302998.2(LIPI):c.1296-9_1296-8del

Gene: LIPI (lipase I; minus strand). Cytogenetic location: 21q11.2.
Variant type: Microsatellite.
Coding change: c.1296-9_1296-8del on transcript NM_001302998.2 (MANE Select); 9 bases into the intron before coding-DNA position 1296 through 8 bases into the intron before coding-DNA position 1296, 2 bases deleted (CT; older notation c.1296-9_1296-8delCT).
Molecular consequence: intron variant.
Genome position (GRCh38, 1-based): chr21:14,109,088-14,109,089, AG deleted on the plus strand (CT on the coding strand, the reverse complement: LIPI is on the minus strand); deleting any 2 consecutive bases within chr21:14,109,088-14,109,092 gives the same sequence; the c. name uses the placement nearest the transcript's 3' end. VCF-style (leftmost placement, unchanged base first): chr21-14109087-AAG-A. GRCh37 (hg19) VCF-style: chr21-15481408-AAG-A.
Other names: c.1359-9_1359-8delCT (NM_198996.3); c.1161-9_1161-8del (NM_198996.4); c.801-9_801-8del (NM_001379566.1); c.1206-9_1206-8del (NM_001302999.2); c.1191-9_1191-8del (NM_001379565.1); c.1278-9_1278-8del (NM_001303000.2); c.1007-9_1007-8del (NM_001303001.2).
Identifiers: ClinVar variation 1656832 (VCV001656832.9), dbSNP rs375881555, ClinGen allele CA9979351.
Genomic context (GRCh38, chr21:14,109,087, plus strand): 5'-AGAAACACTTCCTCTCTGTCTTTAAGTACAATATTATACCTGCAAAGTGGTGGTCTGAGA[AAG>A]AGAAAAATGGAGAGAACAAAAAAATAACTATTAGTAAAACAACAGAGTTGATTTCCTTCT-3'